The following is an entry in ClinVar:

ClinVar aggregate classification (germline): Uncertain significance (1 of 4 stars; one submission).

Conditions:
COL4A2-related disorder. Also called: COL4A2-related disorders; COL4A2-related condition.

Submission:

PreventionGenetics, part of Exact Sciences
Classification: Uncertain significance for COL4A2-related condition. Last evaluated: 2022-12-07. Review status: criteria provided, single submitter. Criteria: ACMG Guidelines, 2015. Collection method: clinical testing. Allele origin: germline.
Comment: The COL4A2 c.1263C>A variant is predicted to result in premature protein termination (p.Tyr421*). To our knowledge, this variant has not been reported in the literature or in a large population database, indicating this variant is rare. Loss-of-function has not been conclusively established as a mechanism of disease for COL4A2-related disorders. At this time, the clinical significance of this variant is uncertain due to the absence of conclusive functional and genetic evidence.

NM_001846.4(COL4A2):c.1263C>A (p.Tyr421Ter)

Gene: COL4A2 (collagen type IV alpha 2 chain; plus strand). Cytogenetic location: 13q34.
Variant type: single nucleotide variant.
Coding change: c.1263C>A on transcript NM_001846.4 (MANE Select); coding-DNA position 1263, C replaced by A.
Protein change: p.Tyr421Ter; replaces tyrosine 421 with a stop codon.
Molecular consequence: nonsense.
Genome position (GRCh38, 1-based): chr13:110,450,378, C>A. VCF-style: chr13-110450378-C-A. GRCh37 (hg19) VCF-style: chr13-111102725-C-A.
Other names: short protein forms Y421*.
Identifiers: ClinVar variation 2635460 (VCV002635460.1), dbSNP rs757264758, ClinGen allele CA388734558.